The following is an entry in ClinVar:

NM_130839.5(UBE3A):c.625T>C (p.Ser209Pro)

Genes: SNHG14 (small nucleolar RNA host gene 14; plus strand), UBE3A (ubiquitin protein ligase E3A; minus strand). Cytogenetic location: 15q11.2.
Variant type: single nucleotide variant.
Coding change: c.625T>C on transcript NM_130839.5 (MANE Select); coding-DNA position 625, T replaced by C.
Protein change: p.Ser209Pro; replaces serine 209 with proline.
Molecular consequence: missense variant. On other transcripts: non-coding transcript variant (1), intron variant (2).
Genome position (GRCh38, 1-based): chr15:25,371,549, A>G on the plus strand (T>C on the coding strand, the complement: UBE3A is on the minus strand). VCF-style: chr15-25371549-A-G. GRCh37 (hg19) VCF-style: chr15-25616696-A-G.
Other names: c.634T>C, p.Ser212Pro (NM_000462.5); c.625T>C, p.Ser209Pro (NM_001354505.1, NM_001354538.2, NM_001354545.2); c.565T>C, p.Ser189Pro (NM_001354506.2, NM_001354507.2, NM_001354508.2 and 17 more transcripts); c.448T>C, p.Ser150Pro (NM_001354546.2); c.301+3916T>C (NM_001354551.2); c.361+3916T>C (NM_001354550.2); short protein forms S212P, S209P, S150P, S189P.
Identifiers: ClinVar variation 2746988 (VCV002746988.3), dbSNP rs2552191764, ClinGen allele CA391355430.

ClinVar aggregate classification (germline): Uncertain significance (1 of 4 stars; one submission).

Conditions:
Angelman syndrome (AS). Also called: HAPPY PUPPET SYNDROME. Identifiers: Orphanet 72, MedGen C0162635, MONDO:0007113, OMIM 105830. Disease mechanism: loss of function. Inheritance: imprinting disorder, AS is caused by disruption of maternally imprinted UBE3A located within the 15q11.2-q13 Angelman syndrome/Prader-Willi syndrome (AS/PWS) region..

Submission:

Labcorp Genetics (formerly Invitae), Labcorp
Classification: Uncertain significance for Angelman syndrome. Last evaluated: 2023-07-25. Review status: criteria provided, single submitter. Criteria: Invitae Variant Classification Sherloc (09022015). Collection method: clinical testing. Allele origin: germline.
Comment: In summary, the available evidence is currently insufficient to determine the role of this variant in disease. Therefore, it has been classified as a Variant of Uncertain Significance. Advanced modeling of protein sequence and biophysical properties (such as structural, functional, and spatial information, amino acid conservation, physicochemical variation, residue mobility, and thermodynamic stability) has been performed at Invitae for this missense variant, however the output from this modeling did not meet the statistical confidence thresholds required to predict the impact of this variant on UBE3A protein function. This variant has not been reported in the literature in individuals affected with UBE3A-related conditions. This variant is not present in population databases (gnomAD no frequency). This sequence change replaces serine, which is neutral and polar, with proline, which is neutral and non-polar, at codon 189 of the UBE3A protein (p.Ser189Pro).